The following is an entry in ClinVar:

ClinVar aggregate classification (germline): Likely benign. Review status: criteria provided, multiple submitters, no conflicts (2 of 4 stars). 7 submissions from 7 submitters: Likely benign (7). Last evaluated 2025-03-16.

Conditions:
Cardiovascular phenotype. Identifiers: MedGen CN230736.
Cardiomyopathy (CMYO). Also called: Cardiomyopathies. Identifiers: Orphanet 167848, MedGen C0878544, MONDO:0004994, HP:0001638. Inheritance: Various modes of inheritance.
Hypertrophic cardiomyopathy. Also called: HYPERTROPHIC MYOCARDIOPATHY. Identifiers: Orphanet 217569, MedGen C0007194, MeSH D002312, MONDO:0005045, HP:0001639.

Allele frequency attached by ClinVar (database versions not stated): ExAC 0.00001; gnomAD 0.00001; gnomAD exomes 0.00001 and 0.00002; TOPMed 0.00001; ESP Exome Variant Server 0.00008.
gnomAD v4.1: 25 of 1,612,496 alleles (0.0016%); highest among the groups gnomAD compares: Middle Eastern, 0.033%; no homozygotes.

Submissions (7):

Labcorp Genetics (formerly Invitae), Labcorp
Classification: Likely benign for Hypertrophic cardiomyopathy. Last evaluated: 2025-03-16. Review status: criteria provided, single submitter. Criteria: Invitae Variant Classification Sherloc (09022015). Collection method: clinical testing. Allele origin: germline.

Blueprint Genetics
Classification: Likely benign. Last evaluated: 2024-10-23. Review status: criteria provided, single submitter. Criteria: ACMG Guidelines, 2015. Collection method: clinical testing. Allele origin: germline.

Ambry Genetics
Classification: Likely benign for Cardiovascular phenotype. Last evaluated: 2023-12-11. Review status: criteria provided, single submitter. Criteria: Ambry Variant Classification Scheme 2023. Collection method: clinical testing. Allele origin: germline.

All of Us Research Program, National Institutes of Health
Classification: Likely benign for Hypertrophic cardiomyopathy. Last evaluated: 2023-07-07. Review status: criteria provided, single submitter. Criteria: ACMG Guidelines, 2015. Collection method: clinical testing. Allele origin: germline. Inheritance: Autosomal dominant inheritance. Observed: 2 variant alleles, 2 heterozygotes.
Comment: This study involves interpretation of variants in research participants for the purpose of population health screening. Participant phenotype was not available at the time of variant classification. Additional details can be found in publication PMID: 35346344, PMCID: PMC8962531

Color Diagnostics, LLC DBA Color Health
Classification: Likely benign for Cardiomyopathy. Last evaluated: 2019-11-12. Review status: criteria provided, single submitter. Criteria: ACMG Guidelines, 2015. Collection method: clinical testing. Allele origin: germline.

GeneDx
Classification: Likely benign. Last evaluated: 2018-06-06. Review status: criteria provided, single submitter. Criteria: GeneDx Variant Classification (06012015). Collection method: clinical testing. Allele origin: germline. Affected: yes.
Comment: This variant is considered likely benign or benign based on one or more of the following criteria: it is a conservative change, it occurs at a poorly conserved position in the protein, it is predicted to be benign by multiple in silico algorithms, and/or has population frequency not consistent with disease.

Laboratory for Molecular Medicine, Mass General Brigham Personalized Medicine
Classification: Likely benign. Last evaluated: 2012-03-19. Review status: criteria provided, single submitter. Criteria: LMM Criteria. Collection method: clinical testing. Allele origin: germline. Observed: 1 variant allele.
Comment: Leu148Leu in exon 04 of TPM1: This variant is not expected to have clinical sign ificance because it does not alter an amino acid residue and is not located with in the splice consensus sequence. It has been identified in 1/7020 European Amer ican chromosomes from a broad population by the NHLBI Exome Sequencing Project. Leu148Leu in exon 04 of TPM1 (allele frequen cy = 1/7020) **

NM_001018005.2(TPM1):c.444G>C (p.Leu148=)

Gene: TPM1 (tropomyosin 1; plus strand). Cytogenetic location: 15q22.2.
Variant type: single nucleotide variant.
Coding change: c.444G>C on transcript NM_001018005.2 (MANE Select); coding-DNA position 444, G replaced by C.
Protein change: p.Leu148=; no amino-acid change (leucine 148 retained).
Molecular consequence: synonymous variant.
Genome position (GRCh38, 1-based): chr15:63,059,632, G>C. VCF-style: chr15-63059632-G-C. GRCh37 (hg19) VCF-style: chr15-63351831-G-C.
Other names: c.444G>C, p.Leu148= (NM_000366.6, NM_001018004.2, NM_001018006.2 and 6 more transcripts); c.336G>C, p.Leu112= (NM_001018008.2, NM_001301289.2, NM_001330344.2 and 5 more transcripts); c.570G>C, p.Leu190= (NM_001365778.1).
Identifiers: ClinVar variation 43418 (VCV000043418.18), dbSNP rs376518788, ClinGen allele CA018033.